The following is an entry in ClinVar:

NM_153460.4(IL17RC):c.1717G>C (p.Glu573Gln)

Gene: IL17RC (interleukin 17 receptor C; plus strand). Cytogenetic location: 3p25.3.
Variant type: single nucleotide variant.
Coding change: c.1717G>C on transcript NM_153460.4 (MANE Select); coding-DNA position 1717, G replaced by C.
Protein change: p.Glu573Gln; replaces glutamic acid 573 with glutamine.
Molecular consequence: missense variant. On other transcripts: non-coding transcript variant (1).
Genome position (GRCh38, 1-based): chr3:9,933,147, G>C. VCF-style: chr3-9933147-G-C. GRCh37 (hg19) VCF-style: chr3-9974831-G-C.
Other names: c.1930G>C (NM_153461.3); c.1678G>C, p.Glu560Gln (NM_001203263.2); c.1627G>C, p.Glu543Gln (NM_001203264.2); c.1621G>C, p.Glu541Gln (NM_001203265.2); c.1639G>C, p.Glu547Gln (NM_001367278.1); c.1558G>C, p.Glu520Gln (NM_001367279.1); c.1633G>C, p.Glu545Gln (NM_001367280.1); c.1672G>C, p.Glu558Gln (NM_032732.6); and 1 more; short protein forms E520Q, E541Q, E543Q, E545Q, E547Q, E558Q, E560Q, E573Q.
Identifiers: ClinVar variation 1017004 (VCV001017004.6), dbSNP rs764647705, ClinGen allele CA2247390.
Genomic context (GRCh38, chr3:9,933,147, plus strand): 5'-GAACTGAGCGCGCAGGGGCCCGTGGCTTGGTTTCACGCGCAGCGGCGCCAGACCCTGCAG[G>C]AGGGCGGCGTGGTGGTCTTGCTCTTCTCTCCCGGTGCGGTGGCGCTGTGCAGCGAGTGGC-3'
Protein context (NP_703190.2, residues 563-583): FHAQRRQTLQ[Glu573Gln]GGVVVLLFSP

ClinVar aggregate classification (germline): Uncertain significance. Review status: criteria provided, multiple submitters, no conflicts (2 of 4 stars). 2 submissions from 2 submitters: Uncertain significance (2). Last evaluated 2025-09-27.

Conditions:
Candidiasis, familial, 9 (CANDF9). Identifiers: Orphanet 1334, MedGen C4225324, MONDO:0014642, OMIM 616445.

Allele frequency attached by ClinVar (database versions not stated): ExAC 0.00001; TOPMed 0.00001; gnomAD exomes 0.00002.
gnomAD v4.1: 7 of 1,602,168 alleles (0.00044%); highest among the groups gnomAD compares: Admixed American, 0.0085%; no homozygotes.

Submissions (2):

Ambry Genetics
Classification: Uncertain significance. Last evaluated: 2025-09-27. Review status: criteria provided, single submitter. Criteria: Ambry Variant Classification Scheme 2023. Collection method: clinical testing. Allele origin: germline.

Labcorp Genetics (formerly Invitae), Labcorp
Classification: Uncertain significance for Candidiasis, familial, 9. Last evaluated: 2025-03-23. Review status: criteria provided, single submitter. Criteria: Invitae Variant Classification Sherloc (09022015). Collection method: clinical testing. Allele origin: germline.
Comment: This sequence change replaces glutamic acid, which is acidic and polar, with glutamine, which is neutral and polar, at codon 644 of the IL17RC protein (p.Glu644Gln). This variant is present in population databases (rs764647705, gnomAD 0.01%). This variant has not been reported in the literature in individuals affected with IL17RC-related conditions. ClinVar contains an entry for this variant (Variation ID: 1017004). An algorithm developed to predict the effect of missense changes on protein structure and function (PolyPhen-2) suggests that this variant is likely to be disruptive. In summary, the available evidence is currently insufficient to determine the role of this variant in disease. Therefore, it has been classified as a Variant of Uncertain Significance.